The following is an entry in ClinVar:

NM_000092.5(COL4A4):c.2826_2827insAC (p.Leu943fs)

Gene: COL4A4 (collagen type IV alpha 4 chain; minus strand). Cytogenetic location: 2q36.3.
Variant type: Insertion.
Coding change: c.2826_2827insAC on transcript NM_000092.5 (MANE Select); coding-DNA positions 2826 to 2827, AC inserted.
Protein change: p.Leu943fs; shifts the reading frame from leucine 943.
Molecular consequence: frameshift variant.
Genome position: GRCh38 VCF-style: chr2-227054627-G-GGT. GRCh37 (hg19) VCF-style: chr2-227919343-G-GGT.
Other names: short protein forms L943fs.
Identifiers: ClinVar variation 562424 (VCV000562424.7), dbSNP rs1559508134, ClinGen allele CA658821237.

ClinVar aggregate classification (germline): Pathogenic/Likely pathogenic. Review status: criteria provided, multiple submitters, no conflicts (2 of 4 stars). 3 submissions from 3 submitters: Pathogenic (1); Likely pathogenic (1). 1 of the submissions does not count toward it. Last evaluated 2025-01-27.

Conditions:
Autosomal recessive Alport syndrome (ATS2). Also called: COL4A3-Related Nephropathy; Alport syndrome type 2; ALPORT SYNDROME 2, AUTOSOMAL RECESSIVE; COL4A4 Alport Syndrome and Thin Basement Membrane Nephropathy. Identifiers: Orphanet 63, Orphanet 88919, MedGen C4746745, MONDO:0008762, OMIM 203780.
Benign familial hematuria. Also called: thin basement membrane disease. Identifiers: MedGen C0241908, MONDO:0957317.

Submissions (3):

Labcorp Genetics (formerly Invitae), Labcorp
Classification: Pathogenic. Last evaluated: 2025-01-27. Review status: criteria provided, single submitter. Criteria: Invitae Variant Classification Sherloc (09022015). Collection method: clinical testing. Allele origin: germline.
Comment: This sequence change creates a premature translational stop signal (p.Leu943Thrfs*8) in the COL4A4 gene. It is expected to result in an absent or disrupted protein product. Loss-of-function variants in COL4A4 are known to be pathogenic (PMID: 21196518, 24854265, 25307543). This variant is not present in population databases (gnomAD no frequency). This variant has not been reported in the literature in individuals affected with COL4A4-related conditions. ClinVar contains an entry for this variant (Variation ID: 562424). For these reasons, this variant has been classified as Pathogenic.

Fulgent Genetics
Classification: Likely pathogenic for Hematuria, benign familial, 1; Autosomal recessive Alport syndrome. Last evaluated: 2022-03-15. Review status: criteria provided, single submitter. Criteria: ACMG Guidelines, 2015. Collection method: clinical testing. Allele origin: unknown.

Gharavi Laboratory, Columbia University
Classification: Pathogenic. Last evaluated: 2018-09-16. Review status: no assertion criteria provided. Criteria: ACMG Guidelines, 2015. Collection method: research. Allele origin: germline. Affected: yes. Not counted in ClinVar's aggregate classification.

Literature cited by the submitters: PubMed 21196518 (cited by Labcorp Genetics (formerly Invitae), Labcorp); PubMed 24854265 (cited by Labcorp Genetics (formerly Invitae), Labcorp); PubMed 25307543 (cited by Labcorp Genetics (formerly Invitae), Labcorp).